The following is an entry in ClinVar:

ClinVar aggregate classification (germline): Likely pathogenic (1 of 4 stars; one submission).

Conditions:
Cardiovascular phenotype. Identifiers: MedGen CN230736.

Submission:

Ambry Genetics
Classification: Likely pathogenic for Cardiovascular phenotype. Last evaluated: 2025-07-11. Review status: criteria provided, single submitter. Criteria: Ambry Variant Classification Scheme 2023. Collection method: clinical testing. Allele origin: germline.
Comment: The c.4496dupT variant, located in coding exon 24 of the TTN gene, results from a duplication of T at nucleotide position 4496, causing a translational frameshift with a predicted alternate stop codon (p.L1499Ffs*30). This exon is located in the near Z-disk region of the N2-B isoform of the titin protein and is constitutively expressed in TTN transcripts (percent spliced in or PSI 100%). This variant is considered to be rare based on population cohorts in the Genome Aggregation Database (gnomAD). This variant is expected to result in loss of function by premature protein truncation or nonsense-mediated mRNA decay. While truncating variants in TTN are present in 1-3% of the general population, truncating variants in the A-band are the most common cause of dilated cardiomyopathy (Herman DS et al. N. Engl. J. Med., 2012 Feb;366:619-28; Roberts AM et al. Sci Transl Med, 2015 Jan;7:270ra6). TTN truncating variants encoded in constitutive exons (PSI >90%) have been found to be significantly associated with DCM regardless of their position in titin (Schafer S et al. Nat. Genet., 2017 01;49:46-53; Akhtar MM et al. Circ Heart Fail, 2020 Oct;13:e006832; Massier M et al. Clin Genet, 2025 Jan). Based on the majority of available evidence to date, this variant is likely to be pathogenic.

NM_001267550.2(TTN):c.4634dup (p.Leu1545fs)

Genes: TTN (titin; minus strand), LOC101927055 (uncharacterized LOC101927055; plus strand). Cytogenetic location: 2q31.2.
Variant type: Duplication.
Coding change: c.4634dup on transcript NM_001267550.2 (MANE Select); coding-DNA position 4634, one base duplicated (T; older notation c.4634dupT).
Protein change: p.Leu1545fs; shifts the reading frame from leucine 1545.
Molecular consequence: frameshift variant. On other transcripts: non-coding transcript variant (1).
Genome position (GRCh38, 1-based): chr2:178,777,431, A duplicated on the plus strand (T on the coding strand, the reverse complement: TTN is on the minus strand); the first of 4 consecutive A bases (chr2:178,777,431-178,777,434); duplicating any one gives the same sequence. VCF-style (leftmost placement, unchanged base first): chr2-178777430-T-TA. GRCh37 (hg19) VCF-style: chr2-179642157-T-TA.
Other names: c.4634dup, p.Leu1545fs (NM_001256850.1, NM_133378.4, NM_133379.5); c.4496dup, p.Leu1499fs (NM_003319.4, NM_133432.3, NM_133437.4); c.4496dupT (NM_003319.4); short protein forms L1499fs, L1545fs.
Identifiers: ClinVar variation 4193712 (VCV004193712.1).